The following is an entry in ClinVar:

NM_004239.4(TRIP11):c.3962T>A (p.Leu1321Ter)

Gene: TRIP11 (thyroid hormone receptor interactor 11; minus strand). Cytogenetic location: 14q32.12.
Variant type: single nucleotide variant.
Coding change: c.3962T>A on transcript NM_004239.4 (MANE Select); coding-DNA position 3962, T replaced by A.
Protein change: p.Leu1321Ter; replaces leucine 1321 with a stop codon.
Molecular consequence: nonsense.
Genome position (GRCh38, 1-based): chr14:92,004,014, A>T on the plus strand (T>A on the coding strand, the complement: TRIP11 is on the minus strand). VCF-style: chr14-92004014-A-T. GRCh37 (hg19) VCF-style: chr14-92470358-A-T.
Other names: c.3959T>A, p.Leu1320Ter (NM_001321851.1); short protein forms L1320*, L1321*.
Identifiers: ClinVar variation 692172 (VCV000692172.3), dbSNP rs745372938, ClinGen allele CA7313545.

ClinVar aggregate classification (germline): Pathogenic/Likely pathogenic. Review status: criteria provided, multiple submitters, no conflicts (2 of 4 stars). 2 submissions from 2 submitters: Pathogenic (1); Likely pathogenic (1). Last evaluated 2023-04-03.

Conditions:
Achondrogenesis, type IA (ACG1A). Identifiers: Orphanet 932, Orphanet 93299, MedGen C0265273, MONDO:0008701, OMIM 200600.
TRIP11-related disorder. Also called: TRIP11-Related Disorders; TRIP11-related condition.

Allele frequency attached by ClinVar (database versions not stated): gnomAD 0.00009; gnomAD exomes 0.00011 and 0.00013; ExAC 0.00012.
gnomAD v4.1: 83 of 1,614,104 alleles (0.0051%); highest among the groups gnomAD compares: Non-Finnish European, 0.00076%; no homozygotes.

Submissions (2):

Blueprint Genetics
Classification: Pathogenic for TRIP11-related disorders. Last evaluated: 2023-04-03. Review status: criteria provided, single submitter. Criteria: ACMG Guidelines, 2015. Collection method: clinical testing. Allele origin: germline. Affected: yes. Observed: 5 variant alleles.

SIB Swiss Institute of Bioinformatics
Classification: Likely pathogenic for Achondrogenesis, type IA. Last evaluated: 2019-06-27. Review status: criteria provided, single submitter. Criteria: ACMG Guidelines, 2015. Collection method: curation. Allele origin: unknown.
Comment: This variant is interpreted as a Likely pathogenic for Achondrogenesis 1A, autosomal recessive. The following ACMG Tag(s) were applied: PM2, PVS1.

Literature cited by the submitters: PubMed 30728324 (cited by SIB Swiss Institute of Bioinformatics).